The following is an entry in ClinVar:

NM_001379500.1(COL18A1):c.1107G>A (p.Pro369=)

Gene: COL18A1 (collagen type XVIII alpha 1 chain; plus strand). Cytogenetic location: 21q22.3.
Variant type: single nucleotide variant.
Coding change: c.1107G>A on transcript NM_001379500.1 (MANE Select); coding-DNA position 1107, G replaced by A.
Protein change: p.Pro369=; no amino-acid change (proline 369 retained).
Molecular consequence: synonymous variant.
Genome position (GRCh38, 1-based): chr21:45,477,851, G>A. VCF-style: chr21-45477851-G-A. GRCh37 (hg19) VCF-style: chr21-46897765-G-A.
Other names: c.1647G>A, p.Pro549= (NM_030582.4); c.2352G>A, p.Pro784= (NM_130444.3); c.1647G>A (NM_030582.3).
Identifiers: ClinVar variation 1453314 (VCV001453314.9), dbSNP rs536257333, ClinGen allele CA10066078.

ClinVar aggregate classification (germline): Likely benign. Review status: criteria provided, multiple submitters, no conflicts (2 of 4 stars). 2 submissions from 2 submitters: Likely benign (2). Last evaluated 2025-12-31.

Conditions:
COL18A1-related disorder. Also called: COL18A1-related disorders; COL18A1-related condition.

Allele frequency attached by ClinVar (database versions not stated): gnomAD exomes 0.00002 and 0.00004; ExAC 0.00006; gnomAD 0.00007; 1000 Genomes Project 0.00020; 1000 Genomes Project 30x 0.00031.

Submissions (2):

PreventionGenetics, part of Exact Sciences
Classification: Likely benign for COL18A1-related condition. Last evaluated: 2025-12-31. Review status: criteria provided, single submitter. Criteria: ACMG Guidelines, 2015. Collection method: clinical testing. Allele origin: germline.
Comment: This variant is classified as likely benign based on ACMG/AMP sequence variant interpretation guidelines (Richards et al. 2015 PMID: 25741868, with internal and published modifications).

Labcorp Genetics (formerly Invitae), Labcorp
Classification: Likely benign. Last evaluated: 2025-10-11. Review status: criteria provided, single submitter. Criteria: Invitae Variant Classification Sherloc (09022015). Collection method: clinical testing. Allele origin: germline.